The following is an entry in ClinVar:

ClinVar aggregate classification (germline): Likely benign (0 of 4 stars; one submission).

Conditions:
TMX3-related disorder. Also called: TMX3-related condition.

Submission:

PreventionGenetics, part of Exact Sciences
Classification: Likely benign for TMX3-related condition. Last evaluated: 2024-05-16. Review status: no assertion criteria provided. Collection method: clinical testing. Allele origin: germline.
Comment: This variant is classified as likely benign based on ACMG/AMP sequence variant interpretation guidelines (Richards et al. 2015 PMID: 25741868, with internal and published modifications).

NM_019022.5(TMX3):c.312-4_312-3insT

Gene: TMX3 (thioredoxin related transmembrane protein 3; minus strand). Cytogenetic location: 18q22.1.
Variant type: Insertion.
Coding change: c.312-4_312-3insT on transcript NM_019022.5 (MANE Select); 4 bases into the intron before coding-DNA position 312 through 3 bases into the intron before coding-DNA position 312, T inserted.
Molecular consequence: intron variant.
Genome position: GRCh38 VCF-style: chr18-68700488-T-TA. GRCh37 (hg19) VCF-style: chr18-66367725-T-TA.
Other names: c.-31-2458_-31-2457insT (NM_001350516.2); c.-112-4_-112-3insT (NM_001350515.2, NM_001350517.2); c.311+1256_311+1257insT (NM_001350514.2, NM_001350513.2); c.312-4_312-3insT (NM_001350512.2).
Identifiers: ClinVar variation 3352458 (VCV003352458.1).